The following is an entry in ClinVar:

NM_000260.4(MYO7A):c.652G>A (p.Asp218Asn)

Gene: MYO7A (myosin VIIA; plus strand). Cytogenetic location: 11q13.5.
Variant type: single nucleotide variant.
Coding change: c.652G>A on transcript NM_000260.4 (MANE Select); coding-DNA position 652, G replaced by A.
Protein change: p.Asp218Asn; replaces aspartic acid 218 with asparagine.
Molecular consequence: missense variant.
Genome position (GRCh38, 1-based): chr11:77,156,921, G>A. VCF-style: chr11-77156921-G-A. GRCh37 (hg19) VCF-style: chr11-76867967-G-A.
Other names: c.652G>A, p.Asp218Asn (NM_001127180.2); c.619G>A, p.Asp207Asn (NM_001369365.1); short protein forms D218N, D207N.
Identifiers: ClinVar variation 29924 (VCV000029924.29), dbSNP rs201539845, ClinGen allele CA259686.

ClinVar aggregate classification (germline): Conflicting classifications of pathogenicity. Review status: criteria provided, conflicting classifications (1 of 4 stars). 13 submissions from 13 submitters: Pathogenic (2); Likely pathogenic (6); Uncertain significance (1). 4 of the submissions do not count toward it. Last evaluated 2026-08-28.

Conditions:
Rare genetic deafness. Identifiers: Orphanet 96210, MedGen C5680250.
MYO7A-related disorder. Also called: MYO7A-related disorders.
Autosomal recessive nonsyndromic hearing loss 2. Also called: DEAFNESS, AUTOSOMAL RECESSIVE 2; NEUROSENSORY NONSYNDROMIC RECESSIVE DEAFNESS 2. Identifiers: Orphanet 90636, MedGen C1838701, MONDO:0010807, OMIM 600060.
Autosomal dominant nonsyndromic hearing loss 11. Identifiers: Orphanet 90635, MedGen C1832475, MONDO:0011032, OMIM 601317.
Usher syndrome type 1 (USH1). Also called: RETINITIS PIGMENTOSA AND CONGENITAL DEAFNESS. Identifiers: Orphanet 231169, Orphanet 886, MedGen C1568247, MONDO:0010168, OMIM 276900.
Usher syndrome type 1B (USH1B). Also called: Usher syndrome type IB. Identifiers: MedGen C1848638, MONDO:0700087.

Allele frequency attached by ClinVar (database versions not stated): ExAC 0.00003; gnomAD exomes 0.00004 and 0.00005; TOPMed 0.00004; gnomAD 0.00006 and 0.00005; ESP Exome Variant Server 0.00008.
gnomAD v4.1: 83 of 1,613,872 alleles (0.0051%); highest among the groups gnomAD compares: Admixed American, 0.013%; no homozygotes.

Submissions (13):

PreventionGenetics, part of Exact Sciences
Classification: Likely pathogenic for MYO7A-related condition. Last evaluated: 2026-08-28. Review status: criteria provided, single submitter. Criteria: ACMG Guidelines, 2015. Collection method: clinical testing. Allele origin: germline.
Comment: The MYO7A c.652G>A variant is predicted to result in the amino acid substitution p.Asp218Asn. This variant has been reported to segregate with disease in multiple affected individuals from a family with variable onset autosomal dominant non-syndromic hearing loss (Sun et al. 2011. PubMed ID: 21150918). This variant has also been reported in individuals with non-syndromic hearing loss (Nishio et al. 2015. PubMed ID: 25788563; Zazo Seco et al. 2016. PubMed ID: 28000701; Iwasa et al. 2016. PubMed ID: 27911912; Table S2, Usami and Nishio. 2021. PubMed ID: 34599366). This variant is present in 0.023% of alleles in individuals of Latino descent in gnomAD. This variant is interpreted as likely pathogenic for autosomal dominant non-syndromic hearing loss.

Women's Health and Genetics/Laboratory Corporation of America, LabCorp
Classification: Pathogenic for Autosomal dominant nonsyndromic hearing loss 11. Last evaluated: 2026-03-10. Review status: criteria provided, single submitter. Criteria: LabCorp Variant Classification Summary - May 2015. Collection method: clinical testing. Allele origin: germline.
Comment: Variant summary: MYO7A c.652G>A (p.Asp218Asn) results in a conservative amino acid change in the encoded protein sequence. Algorithms developed to predict the effect of missense changes on protein structure and function are either unavailable or do not agree on the potential impact of this missense change. The variant allele was found at a frequency of 4.4e-05 in 249160 control chromosomes. c.652G>A has been observed in multiple individuals affected with Autosomal Dominant Nonsyndromic Hearing Loss 11. These data indicate that the variant is very likely to be associated with disease. To our knowledge, no experimental evidence demonstrating an impact on protein function has been reported. The following publications have been ascertained in the context of this evaluation (PMID: 21150918, 28000701). ClinVar contains an entry for this variant (Variation ID: 29924). Based on the evidence outlined above, the variant was classified as pathogenic.

Labcorp Genetics (formerly Invitae), Labcorp
Classification: Pathogenic. Last evaluated: 2026-02-01. Review status: criteria provided, single submitter. Criteria: Invitae Variant Classification Sherloc (09022015). Collection method: clinical testing. Allele origin: germline.
Comment: This sequence change replaces aspartic acid, which is acidic and polar, with asparagine, which is neutral and polar, at codon 218 of the MYO7A protein (p.Asp218Asn). This variant is present in population databases (rs201539845, gnomAD 0.02%). This missense change has been observed in individual(s) with autosomal dominant non-syndromic deafness (PMID: 21150918, 27911912). It has also been observed to segregate with disease in related individuals. ClinVar contains an entry for this variant (Variation ID: 29924). Invitae Evidence Modeling of protein sequence and biophysical properties (such as structural, functional, and spatial information, amino acid conservation, physicochemical variation, residue mobility, and thermodynamic stability) indicates that this missense variant is not expected to disrupt MYO7A protein function with a negative predictive value of 95%. For these reasons, this variant has been classified as Pathogenic.

Natera, Inc.
Classification: Likely pathogenic for Usher syndrome type 1B. Last evaluated: 2025-07-21. Review status: criteria provided, single submitter. Criteria: Natera Variant Classification Schema (03/2026). Collection method: clinical testing. Allele origin: germline.
Comment: The c.652G>A variant in MYO7A is a missense variant predicted to cause substitution of aspartic acid to asparagine at amino acid 218. This variant is rare in the general population with a frequency below the threshold expected for the associated phenotype(s). This variant has been observed in affected individual(s) with monoallelic occurrence (heterozygous/hemizygous) (PMID: 21150918, 33502066). This variant has been observed to segregate in affected family members (PMID: 21150918). Computational prediction algorithms indicate this variant is likely to affect gene or protein function. Given the available evidence, this variant is classified as Likely Pathogenic.

Blueprint Genetics
Classification: Uncertain significance. Last evaluated: 2024-10-09. Review status: criteria provided, single submitter. Criteria: ACMG Guidelines, 2015. Collection method: clinical testing. Allele origin: germline.

GeneDx
Classification: Likely pathogenic. Last evaluated: 2024-09-17. Review status: criteria provided, single submitter. Criteria: GeneDx Variant Classification Process June 2021. Collection method: clinical testing. Allele origin: germline. Affected: yes.
Comment: Reported as a heterozygous variant in unrelated individuals with non-syndromic hearing loss (PMID: 27911912, 26763877, 27018795); In silico analysis supports that this missense variant has a deleterious effect on protein structure/function; This variant is associated with the following publications: (PMID: 27018795, 25788563, 26763877, 21150918, 31589614, 35453549, 37727480, 36551317, 27911912)

Fulgent Genetics
Classification: Likely pathogenic for Usher syndrome type 1; Autosomal recessive nonsyndromic hearing loss 2; Autosomal dominant nonsyndromic hearing loss 11. Last evaluated: 2024-06-05. Review status: criteria provided, single submitter. Criteria: ACMG Guidelines, 2015. Collection method: clinical testing. Allele origin: germline.

Laboratory for Molecular Medicine, Mass General Brigham Personalized Medicine
Classification: Likely pathogenic for Rare genetic deafness. Last evaluated: 2017-08-17. Review status: criteria provided, single submitter. Criteria: LMM Criteria. Collection method: clinical testing. Allele origin: germline. Inheritance: Autosomal dominant inheritance. Observed: 4 variant alleles.
Comment: The p.Asp218Asn variant in MYO7A has been reported in 3 probands with a dominant family history of hearing loss, and segregated with disease in >10 affected rel atives from 2 families (Sun 2011, Iwasa 2016, LMM data). This variant has also b een identified in 8/34418 Latino chromosomes and in 5/126678 European chromosome s by the Genome Aggregation Database (gnomAD; dbSNP rs201539845); however, pathogenic variants may be present at a low frequen cy in the general population. Although loss of function variants in MYO7A primar ily cause autosomal recessive Usher syndrome, several missense variants have bee n reported to segregate with autosomal dominant hearing loss (Street 2004, Luije ndijk 2004, Bolz 2004, Liu 1997, Sun 2011, Sang 2013). While the underlying mech anism is unknown, these missense variants are primarily located within the conse rved motor domain, which is the same domain impacted by the p.Asp218Asn variant. In summary, although additional studies are required to fully establish its cli nical significance, the p.Asp218Asn variant is likely pathogenic for autosomal d ominant nonsyndromic hearing loss. ACMG/AMP criteria applied: PM1_Strong, PM2_Su pporting, PM3

Juno Genomics, Hangzhou Juno Genomics, Inc
Classification: Likely pathogenic for Autosomal dominant nonsyndromic hearing loss 11. Review status: criteria provided, single submitter. Criteria: ACMG Guidelines, 2015. Collection method: clinical testing. Allele origin: germline.
Comment: The prevalence of the variant in affected individuals is significantly increased compared to the prevalence in controls.;Co-segregation with disease in multiple affected family members.;Located in a mutational hot spot and/or critical and well-established functional domain without benign variation.

OMIM
Classification: Pathogenic for DEAFNESS, AUTOSOMAL DOMINANT 11. Last evaluated: 2011-01-01. Review status: no assertion criteria provided. Collection method: literature only. Allele origin: germline. Not counted in ClinVar's aggregate classification.

Clinical Genetics DNA and cytogenetics Diagnostics Lab, Erasmus MC, Erasmus Medical Center
Classification: Likely pathogenic. Review status: no assertion criteria provided. Collection method: clinical testing. Allele origin: germline. Affected: yes. Study: VKGL Data-share Consensus. Not counted in ClinVar's aggregate classification.

Joint Genome Diagnostic Labs from Nijmegen and Maastricht, Radboudumc and MUMC+
Classification: Likely pathogenic. Review status: no assertion criteria provided. Collection method: clinical testing. Allele origin: germline. Affected: yes. Study: VKGL Data-share Consensus. Not counted in ClinVar's aggregate classification.

Laboratorio de Genetica e Diagnostico Molecular, Hospital Israelita Albert Einstein
Classification: Uncertain significance. Last evaluated: 2019-10-09. Review status: flagged submission. Criteria: ACMG Guidelines, 2015. Collection method: clinical testing. Allele origin: germline. Affected: yes. Not counted in ClinVar's aggregate classification.
Comment: ACMG classification criteria: PP1, PP3
ClinVar note: Reason: Outlier claim with insufficient supporting evidence

Literature cited by the submitters: PubMed 28000701 (cited by Women's Health and Genetics/Laboratory Corporation of America, LabCorp); PubMed 21150918 (cited by 5 submitters); PubMed 27911912 (cited by Labcorp Genetics (formerly Invitae), Labcorp and Laboratory for Molecular Medicine, Mass General Brigham Personalized Medicine); PubMed 33502066 (cited by Natera, Inc.); PubMed 15300860 (cited by Laboratory for Molecular Medicine, Mass General Brigham Personalized Medicine); PubMed 9354784 (cited by Laboratory for Molecular Medicine, Mass General Brigham Personalized Medicine); PubMed 23383098 (cited by Laboratory for Molecular Medicine, Mass General Brigham Personalized Medicine); PubMed 15121790 (cited by Laboratory for Molecular Medicine, Mass General Brigham Personalized Medicine); PubMed 15221449 (cited by Laboratory for Molecular Medicine, Mass General Brigham Personalized Medicine); PubMed 25788563 (cited by Laboratory for Molecular Medicine, Mass General Brigham Personalized Medicine).